The following is an entry in ClinVar:

NM_001134363.3(RBM20):c.2042del (p.Tyr681fs)

Gene: RBM20 (RNA binding motif protein 20; plus strand). Cytogenetic location: 10q25.2.
Variant type: Deletion.
Coding change: c.2042del on transcript NM_001134363.3 (MANE Select); coding-DNA position 2042, one base deleted (A; older notation c.2042delA).
Protein change: p.Tyr681fs; shifts the reading frame from tyrosine 681.
Molecular consequence: frameshift variant.
Genome position (GRCh38, 1-based): chr10:110,812,439, A deleted. VCF-style (leftmost placement, unchanged base first): chr10-110812438-TA-T. GRCh37 (hg19) VCF-style: chr10-112572196-TA-T.
Other names: short protein forms Y681fs.
Identifiers: ClinVar variation 2815372 (VCV002815372.3), dbSNP rs2493473672, ClinGen allele CA2739276021.
Genomic context (GRCh38, chr10:110,812,438, plus strand): 5'-CCTCCGGGCCCCTCCCGGGCTGACTGGGGCAATGGCCGGGACTCCTGGGAGCACTCTCCC[TA>T]TGCCAGGAGGGAGGAAGAGCGAGACCCGGCTCCCTGGAGGGACAACGGAGATGACAAGAG-3'

ClinVar aggregate classification (germline): Pathogenic (1 of 4 stars; one submission).

Conditions:
Dilated cardiomyopathy 1DD (CMD1DD). Identifiers: Orphanet 154, MedGen C2750995, MONDO:0013168, OMIM 613172.

Submission:

Labcorp Genetics (formerly Invitae), Labcorp
Classification: Pathogenic for Dilated cardiomyopathy 1DD. Last evaluated: 2025-11-21. Review status: criteria provided, single submitter. Criteria: Invitae Variant Classification Sherloc (09022015). Collection method: clinical testing. Allele origin: germline.
Comment: This sequence change creates a premature translational stop signal (p.Tyr681Leufs*92) in the RBM20 gene. It is expected to result in an absent or disrupted protein product. Loss-of-function variants in RBM20 are known to be pathogenic (PMID: 20590677, 22004663, 38288598, 38510713, 40339755). This variant is not present in population databases (gnomAD no frequency). This variant has not been reported in the literature in individuals affected with RBM20-related conditions. ClinVar contains an entry for this variant (Variation ID: 2815372). For these reasons, this variant has been classified as Pathogenic.

Literature cited by the submitters: PubMed 20590677; PubMed 22004663; PubMed 38288598; PubMed 38510713; PubMed 40339755.